The following is an entry in ClinVar:

ClinVar aggregate classification (germline): Pathogenic (1 of 4 stars; one submission).

Conditions:
Alpha-N-acetylgalactosaminidase deficiency. Identifiers: Orphanet 3137, MedGen C5848084, MONDO:0017779.

Submission:

Myriad Genetics, Inc.
Classification: Pathogenic for Alpha-N-acetylgalactosaminidase deficiency. Last evaluated: 2025-05-24. Review status: criteria provided, single submitter. Criteria: Myriad Autosomal Dominant, Autosomal Recessive and X-Linked Classification Criteria (2023). Collection method: clinical testing. Allele origin: unknown.
Comment: NM_000262.2(NAGA):c.622dupA(I208Nfs*7) is expected to be pathogenic in the context of NAGA-related disorders. This variant is predicted to lead to an abnormal or absent protein product due to the creation of a premature termination codon in NAGA, a gene where loss-of-function variants are known to be pathogenic. Please note: this variant was assessed in the context of healthy population screening.

NM_000262.3(NAGA):c.622dup (p.Ile208fs)

Gene: NAGA (alpha-N-acetylgalactosaminidase; minus strand). Cytogenetic location: 22q13.2.
Variant type: Duplication.
Coding change: c.622dup on transcript NM_000262.3 (MANE Select); coding-DNA position 622, one base duplicated (A; older notation c.622dupA).
Protein change: p.Ile208fs; shifts the reading frame from isoleucine 208.
Molecular consequence: frameshift variant.
Genome position (GRCh38, 1-based): chr22:42,065,875, T duplicated on the plus strand (A on the coding strand, the reverse complement: NAGA is on the minus strand). VCF-style (leftmost placement, unchanged base first): chr22-42065874-A-AT. GRCh37 (hg19) VCF-style: chr22-42461878-A-AT.
Other names: c.622dup, p.Ile208fs (NM_001362848.1, NM_001362850.1); short protein forms I208fs.
Identifiers: ClinVar variation 5014511 (VCV005014511.1).
Genomic context (GRCh38, chr22:42,065,874, plus strand): 5'-ATGGAGAGCACGCTCCACCAGGAGTCCTGGATGTCATCATAGTTACGCCAGAGGTTGCAG[A>AT]TGTCCGCCAGCAGACTGTAGTTCACCTGGATGTCGAGGGGAAGGCAGAGTCCAGCACCAG-3'